The following is an entry in ClinVar:

NM_005529.7(HSPG2):c.12121G>A (p.Gly4041Ser)

Gene: HSPG2 (heparan sulfate proteoglycan 2; minus strand). Cytogenetic location: 1p36.12.
Variant type: single nucleotide variant.
Coding change: c.12121G>A on transcript NM_005529.7 (MANE Select); coding-DNA position 12121, G replaced by A.
Protein change: p.Gly4041Ser; replaces glycine 4041 with serine.
Molecular consequence: missense variant.
Genome position (GRCh38, 1-based): chr1:21,828,951, C>T on the plus strand (G>A on the coding strand, the complement: HSPG2 is on the minus strand). VCF-style: chr1-21828951-C-T. GRCh37 (hg19) VCF-style: chr1-22155444-C-T.
Other names: c.12124G>A, p.Gly4042Ser (NM_001291860.2); c.12121G>A (NM_005529.5); short protein forms G4041S, G4042S.
Identifiers: ClinVar variation 447537 (VCV000447537.3), dbSNP rs922740637, ClinGen allele CA19091121.
Genomic context (GRCh38, chr1:21,828,951, plus strand): 5'-CGGAAGGCTCCACACCCCCCAGGTAGAGCAGGGTGTGCAGGTTGAGGCCCTGGCTCTTGC[C>T]GGGCGAGGAGCGCAGCACAGGGCGTCCACCATTCACCCGCAGGCTGCCGTCCTTGTTGAG-3'
Protein context (NP_005520.4, residues 4031-4051): GGRPVLRSSP[Gly4041Ser]KSQGLNLHTL

ClinVar aggregate classification (germline): Uncertain significance. Review status: criteria provided, multiple submitters, no conflicts (2 of 4 stars). 3 submissions from 3 submitters: Uncertain significance (3). Last evaluated 2023-12-22.

Conditions:
Inborn genetic diseases. Identifiers: MedGen C0950123, MeSH D030342.

Allele frequency attached by ClinVar (database versions not stated): TOPMed 0.00007; gnomAD exomes 0.00002; gnomAD 0.00004.
gnomAD v4.1: 64 of 1,576,202 alleles (0.0041%); highest among the groups gnomAD compares: Non-Finnish European, 0.005%; no homozygotes.

Submissions (3):

Ambry Genetics
Classification: Uncertain significance for Inborn genetic diseases. Last evaluated: 2023-12-22. Review status: criteria provided, single submitter. Criteria: Ambry Variant Classification Scheme 2023. Collection method: clinical testing. Allele origin: germline.

Labcorp Genetics (formerly Invitae), Labcorp
Classification: Uncertain significance. Last evaluated: 2023-10-31. Review status: criteria provided, single submitter. Criteria: Invitae Variant Classification Sherloc (09022015). Collection method: clinical testing. Allele origin: germline.
Comment: This sequence change replaces glycine, which is neutral and non-polar, with serine, which is neutral and polar, at codon 4041 of the HSPG2 protein (p.Gly4041Ser). The frequency data for this variant in the population databases is considered unreliable, as metrics indicate poor data quality at this position in the gnomAD database. This variant has not been reported in the literature in individuals affected with HSPG2-related conditions. ClinVar contains an entry for this variant (Variation ID: 447537). An algorithm developed to predict the effect of missense changes on protein structure and function (PolyPhen-2) suggests that this variant is likely to be disruptive. In summary, the available evidence is currently insufficient to determine the role of this variant in disease. Therefore, it has been classified as a Variant of Uncertain Significance.

Athena Diagnostics
Classification: Uncertain significance. Last evaluated: 2017-04-10. Review status: criteria provided, single submitter. Criteria: Athena Diagnostics Criteria. Collection method: clinical testing. Allele origin: germline.